The following continues an entry in ClinVar:

NM_198253.3(TERT):c.-124C>T

ClinVar aggregate classification (germline): Conflicting classifications of pathogenicity. Likely pathogenic (4); Uncertain significance (1). ClinVar aggregate classification (somatic clinical impact): Tier I - Strong. ClinVar aggregate classification (oncogenicity): Oncogenic.

Submissions 8 to 19 of 28:

Institute for Genomic Medicine (IGM) Clinical Laboratory, Nationwide Children's Hospital
Classification: Tier I - Strong for Squamous cell carcinoma of the skin. Assertion type: diagnostic. Clinical significance: supports diagnosis. Last evaluated: 2025-03-14. Review status: criteria provided, single submitter. Criteria: AMP/ASCO/CAP Guidelines, 2017. Collection method: clinical testing. Allele origin: somatic. Affected: yes.
Comment: Variant has Tier I (strong) clinical significance as a diagnostic inclusion criterion in skin squamous cell carcinoma, based on the following evidence: 1) Documented in one or more cancer databases (e.g., St. Jude Pecan, COSMIC, CIViC, OncoKB). 2) Information in the literature supports potential biologic effect of variant (PMID: 25977370). 3) Diagnostic for a specific tumor type/classification based on well-powered studies with expert-level consensus (Evidence Level B; PMIDs: 24260374, 24030752, 25862495, 27442865, 30165166).

Institute for Genomic Medicine (IGM) Clinical Laboratory, Nationwide Children's Hospital
Classification: Tier II - Potential for Desmoplastic small round cell tumor. Assertion type: diagnostic. Clinical significance: supports diagnosis. Last evaluated: 2025-03-05. Review status: criteria provided, single submitter. Criteria: AMP/ASCO/CAP Guidelines, 2017. Collection method: clinical testing. Allele origin: somatic. Affected: yes. Not counted in ClinVar's aggregate classification.
Comment: Variant has Tier II (potential) clinical significance as a diagnostic inclusion criterion in desmoplastic small round cell tumor, based on the following evidence: 1) Documented in one or more cancer databases (e.g., St. Jude Pecan, COSMIC, CIViC, OncoKB). 2) Information in the literature supports potential biologic effect of variant (PMID: 25977370). 3) Diagnostic significance based on multiple small studies (Evidence Level C; PMIDs: 33753552, 31837177, 35705560).

Center for Genomic Medicine, Rigshospitalet, Copenhagen University Hospital
Classification: Oncogenic for Neoplasm. Last evaluated: 2025-03-04. Review status: criteria provided, single submitter. Criteria: ClinGen/CGC/VICC Guidelines for Oncogenicity, 2022. Collection method: clinical testing. Allele origin: somatic. Affected: yes.

Institute for Genomic Medicine (IGM) Clinical Laboratory, Nationwide Children's Hospital
Classification: Tier I - Strong for Calcifying nested epithelial stromal tumor of the liver. Assertion type: diagnostic. Clinical significance: supports diagnosis. Last evaluated: 2025-01-27. Review status: criteria provided, single submitter. Criteria: AMP/ASCO/CAP Guidelines, 2017. Collection method: clinical testing. Allele origin: somatic. Affected: yes.
Comment: Variant has Tier I (strong) clinical significance as a diagnostic inclusion criterion in calcifying nested epithelial stromal tumor of the liver, based on the following evidence: 1) Documented in one or more cancer databases (e.g., St. Jude Pecan, COSMIC, CIViC, OncoKB). 2) Information in the literature supports potential biologic effect of variant (PMID: 25977370). 3) Diagnostic for a specific tumor type/classification based on well-powered studies with expert-level consensus (Evidence Level B; PMID: 33994539).

Institute for Genomic Medicine (IGM) Clinical Laboratory, Nationwide Children's Hospital
Classification: Tier I - Strong for IDH-wildtype glioblastoma. Assertion type: diagnostic. Clinical significance: supports diagnosis. Last evaluated: 2024-11-19. Review status: criteria provided, single submitter. Criteria: AMP/ASCO/CAP Guidelines, 2017. Collection method: clinical testing. Allele origin: somatic. Affected: yes.
Comment: Variant has Tier I (strong) clinical significance as a diagnostic inclusion criterion in IDH-wildtype glioblastoma, based on the following evidence: 1) Documented in one or more cancer databases (e.g., St. Jude Pecan, COSMIC, CIViC, OncoKB). 2) Appears in one or more well-established professional guidelines (e.g., World Health Organization [WHO]; National Comprehensive Cancer Network [NCCN]) as providing diagnostic, prognostic, or therapeutic information. 3) Information in the literature supports potential biologic effect of variant (PMID: 25977370). 4) Diagnostic for a specific tumor type/classification based on well-powered studies with expert-level consensus (Evidence Level B; PMIDs: 28990704, 29105198, 29532523, 32782671, 36505786).

GeneDx
Classification: Likely pathogenic. Last evaluated: 2024-09-25. Review status: criteria provided, single submitter. Criteria: GeneDx Variant Classification Process June 2021. Collection method: clinical testing. Allele origin: germline. Affected: yes.
Comment: Common somatic variant in melanoma tumor samples (PMID: 37296851); Published functional studies demonstrate a damaging effect with c.-124C>T leading to increased promoter activity, overexpression of TERT, and increased resistance to BRAF and MEK inhibition in tumor samples, while correction of this variant in vitro suppressed TERT promoter activity and decreased cell proliferation leading to inhibited tumor growth (PMID: 25977370, 37296851, 38016019); Although reliable data are not available to assess the frequency of this variant in publicly available databases, it was not observed at significant frequency in large population cohorts tested at GeneDx; This variant is associated with the following publications: (PMID: 25977370, 37296851, 38016019)

Institute for Genomic Medicine (IGM) Clinical Laboratory, Nationwide Children's Hospital
Classification: Tier I - Strong for Pleomorphic xanthoastrocytoma. Assertion type: diagnostic. Clinical significance: supports diagnosis. Last evaluated: 2024-07-08. Review status: criteria provided, single submitter. Criteria: AMP/ASCO/CAP Guidelines, 2017. Collection method: clinical testing. Allele origin: somatic. Affected: yes.
Comment: Variant has Tier I (strong) clinical significance as a diagnostic inclusion criterion in pleomorphic xanthoastrocytoma, based on the following evidence: 1) Documented in one or more cancer databases (e.g., St. Jude Pecan, COSMIC, CIViC, OncoKB). 2) Appears in one or more well-established professional guidelines (e.g., World Health Organization [WHO]; National Comprehensive Cancer Network [NCCN]) as providing diagnostic, prognostic, or therapeutic information. 3) Information in the literature supports potential biologic effect of variant (PMIDs: 25977370, 26941407). 4) Diagnostic for a specific tumor type/classification based on well-powered studies with expert-level consensus (Evidence Level B; PMIDs: 28181325, 33543147, 30240866, 30599247, 32619305, 30051528).

Institute for Genomic Medicine (IGM) Clinical Laboratory, Nationwide Children's Hospital
Classification: Tier II - Potential for Adenocarcinoma of the large intestine. Assertion type: diagnostic. Clinical significance: supports diagnosis. Last evaluated: 2024-05-23. Review status: criteria provided, single submitter. Criteria: AMP/ASCO/CAP Guidelines, 2017. Collection method: clinical testing. Allele origin: somatic. Affected: yes. Not counted in ClinVar's aggregate classification.
Comment: Variant has Tier II (potential) clinical significance as a diagnostic inclusion criterion in colorectal adenocarcinoma, based on the following evidence: 1) Documented in one or more cancer databases (e.g., St. Jude Pecan, COSMIC, CIViC, OncoKB). 2) Information in the literature supports potential biologic effect of variant (PMIDs: 25977370, 26941407). 3) Diagnostic significance based on multiple small studies (Evidence Level C; PMIDs: 23348506, 23530248, 31408918, 24260374).

Institute for Genomic Medicine (IGM) Clinical Laboratory, Nationwide Children's Hospital
Classification: Tier II - Potential for Juvenile type testicular granulosa cell tumor. Assertion type: diagnostic. Clinical significance: supports diagnosis. Last evaluated: 2024-05-07. Review status: criteria provided, single submitter. Criteria: AMP/ASCO/CAP Guidelines, 2017. Collection method: clinical testing. Allele origin: somatic. Affected: yes. Not counted in ClinVar's aggregate classification.
Comment: Variant has Tier II (potential) clinical significance as a diagnostic inclusion criterion in juvenile type testicular granulosa cell tumor, based on the following evidence: 1) Documented in one or more cancer databases (e.g., St. Jude Pecan, COSMIC, CIViC, OncoKB). 2) Information in the literature supports potential biologic effect of variant (PMIDs: 25977370, 26941407). 3) Diagnostic significance based on multiple small studies (Evidence Level C; PMIDs: 29449679, 31789679, 34411449).

Baylor Genetics
Classification: Likely pathogenic for Dyskeratosis congenita, autosomal dominant 2. Last evaluated: 2024-03-28. Review status: criteria provided, single submitter. Criteria: ACMG Guidelines, 2015. Collection method: clinical testing. Allele origin: unknown.

Institute for Genomic Medicine (IGM) Clinical Laboratory, Nationwide Children's Hospital
Classification: Tier I - Strong for Metastatic melanoma. Assertion type: diagnostic. Clinical significance: supports diagnosis. Last evaluated: 2024-02-26. Review status: criteria provided, single submitter. Criteria: AMP/ASCO/CAP Guidelines, 2017. Collection method: clinical testing. Allele origin: somatic. Affected: yes.
Comment: Variant has Tier I (strong) clinical significance as a diagnostic inclusion criterion in metastatic melanoma, based on the following evidence: 1) Documented in one or more cancer databases (e.g., St. Jude Pecan, COSMIC, CIViC, OncoKB). 2) Appears in one or more well-established professional guidelines (e.g., World Health Organization [WHO]; National Comprehensive Cancer Network [NCCN]) as providing diagnostic, prognostic, or therapeutic information. 3) Information in the literature supports potential biologic effect of variant (PMID: 25977370). 4) Diagnostic for a specific tumor type/classification based on well-powered studies with expert-level consensus (Evidence Level B; PMIDs: 25268584, 30178487, 23348506, 28467829, 26875008, 25217772).

Institute for Genomic Medicine (IGM) Clinical Laboratory, Nationwide Children's Hospital
Classification: Tier I - Strong for oligodendroglioma, 1p 19q codeleted. Assertion type: diagnostic. Clinical significance: supports diagnosis. Last evaluated: 2024-02-09. Review status: criteria provided, single submitter. Criteria: AMP/ASCO/CAP Guidelines, 2017. Collection method: clinical testing. Allele origin: somatic. Affected: yes.
Comment: Variant has Tier I (strong) clinical significance as a diagnostic inclusion criterion in oligodendroglioma, 1p 19q codeleted, based on the following evidence: 1) Documented in one or more cancer databases (e.g., St. Jude Pecan, COSMIC, CIViC, OncoKB). 2) Appears in one or more well-established professional guidelines (e.g., World Health Organization [WHO]; National Comprehensive Cancer Network [NCCN]) as providing diagnostic, prognostic, or therapeutic information. 3) Information in the literature supports potential biologic effect of variant (PMIDs: 23348503, 25977370). 4) Diagnostic for a specific tumor type/classification based on well-powered studies with expert-level consensus (Evidence Level B; PMIDs: 23530248, 23764841, 24154961, 26061751, 26061753).